The following is an entry in ClinVar:

ClinVar aggregate classification (germline): Likely benign (1 of 4 stars; one submission).

Submission:

GeneDx
Classification: Likely benign. Last evaluated: 2018-06-19. Review status: criteria provided, single submitter. Criteria: GeneDx Variant Classification (06012015). Collection method: clinical testing. Allele origin: germline. Affected: yes.
Comment: This variant is considered likely benign or benign based on one or more of the following criteria: it is a conservative change, it occurs at a poorly conserved position in the protein, it is predicted to be benign by multiple in silico algorithms, and/or has population frequency not consistent with disease.

NM_018109.3(MTPAP):c.-27G>T

Gene: MTPAP (mitochondrial poly(A) polymerase; minus strand). Cytogenetic location: 10p11.23.
Variant type: single nucleotide variant.
Coding change: c.-27G>T on transcript NM_018109.3; 27 bases upstream of the start codon, G replaced by T.
Genome position (GRCh38, 1-based): chr10:30,349,302, C>A on the plus strand (G>T on the coding strand, the complement: MTPAP is on the minus strand). VCF-style: chr10-30349302-C-A. GRCh37 (hg19) VCF-style: chr10-30638231-C-A.
Identifiers: ClinVar variation 669910 (VCV000669910.3), dbSNP rs773131360, ClinGen allele CA5459355.